The following is an entry in ClinVar:

NM_000719.7(CACNA1C):c.1571A>C (p.Asn524Thr)

Gene: CACNA1C (calcium voltage-gated channel subunit alpha1 C; plus strand). Cytogenetic location: 12p13.33.
Variant type: single nucleotide variant.
Coding change: c.1571A>C on transcript NM_000719.7 (MANE Select); coding-DNA position 1571, A replaced by C.
Protein change: p.Asn524Thr; replaces asparagine 524 with threonine.
Molecular consequence: missense variant.
Genome position (GRCh38, 1-based): chr12:2,566,484, A>C. VCF-style: chr12-2566484-A-C. GRCh37 (hg19) VCF-style: chr12-2675650-A-C.
Other names: c.1571A>C, p.Asn524Thr (NM_001129827.2, NM_001129829.2, NM_001129830.3 and 18 more transcripts); c.1562A>C, p.Asn521Thr (NM_001129844.2); short protein forms N521T, N524T.
Identifiers: ClinVar variation 3665494 (VCV003665494.2).

ClinVar aggregate classification (germline): Uncertain significance (1 of 4 stars; one submission).

Conditions:
Long QT syndrome (LQTS). Identifiers: MedGen C0023976, MeSH D008133, MONDO:0002442. Disease mechanism: loss of function. Inheritance: Various modes of inheritance.

gnomAD v4.1: 2 of 1,596,314 alleles (0.00013%); highest among the groups gnomAD compares: Non-Finnish European, 0.00017%; no homozygotes.

Submission:

Labcorp Genetics (formerly Invitae), Labcorp
Classification: Uncertain significance for Long QT syndrome. Last evaluated: 2024-05-29. Review status: criteria provided, single submitter. Criteria: Invitae Variant Classification Sherloc (09022015). Collection method: clinical testing. Allele origin: germline.
Comment: This sequence change replaces asparagine, which is neutral and polar, with threonine, which is neutral and polar, at codon 524 of the CACNA1C protein (p.Asn524Thr). This variant is not present in population databases (gnomAD no frequency). This variant has not been reported in the literature in individuals affected with CACNA1C-related conditions. Advanced modeling of protein sequence and biophysical properties (such as structural, functional, and spatial information, amino acid conservation, physicochemical variation, residue mobility, and thermodynamic stability) performed at Invitae indicates that this missense variant is not expected to disrupt CACNA1C protein function with a negative predictive value of 95%. In summary, the available evidence is currently insufficient to determine the role of this variant in disease. Therefore, it has been classified as a Variant of Uncertain Significance.